The following is an entry in ClinVar:

NM_001267550.2(TTN):c.75037C>G (p.Pro25013Ala)

Genes: TTN (titin; minus strand), TTN-AS1 (TTN antisense RNA 1; plus strand). Cytogenetic location: 2q31.2.
Variant type: single nucleotide variant.
Coding change: c.75037C>G on transcript NM_001267550.2 (MANE Select); coding-DNA position 75037, C replaced by G.
Protein change: p.Pro25013Ala; replaces proline 25013 with alanine.
Molecular consequence: missense variant.
Genome position (GRCh38, 1-based): chr2:178,571,095, G>C on the plus strand (C>G on the coding strand, the complement: TTN is on the minus strand). VCF-style: chr2-178571095-G-C. GRCh37 (hg19) VCF-style: chr2-179435822-G-C.
Other names: c.70114C>G, p.Pro23372Ala (NM_001256850.1); c.47842C>G, p.Pro15948Ala (NM_003319.4); c.67333C>G, p.Pro22445Ala (NM_133378.4); c.48217C>G, p.Pro16073Ala (NM_133432.3); c.48418C>G, p.Pro16140Ala (NM_133437.4); short protein forms P16073A, P25013A, P15948A, P16140A, P22445A, P23372A.
Identifiers: ClinVar variation 680372 (VCV000680372.1), dbSNP rs744428, ClinGen allele CA349629455.

ClinVar aggregate classification (germline): Likely benign (1 of 4 stars; one submission).

Submission:

GeneDx
Classification: Likely benign. Last evaluated: 2018-03-13. Review status: criteria provided, single submitter. Criteria: GeneDx Variant Classification (06012015). Collection method: clinical testing. Allele origin: germline. Affected: yes.
Comment: This variant is considered likely benign or benign based on one or more of the following criteria: it is a conservative change, it occurs at a poorly conserved position in the protein, it is predicted to be benign by multiple in silico algorithms, and/or has population frequency not consistent with disease.